The following is an entry in ClinVar:

ClinVar aggregate classification (germline): Likely benign. Review status: criteria provided, multiple submitters, no conflicts (2 of 4 stars). 3 submissions from 3 submitters: Likely benign (2). 1 of the submissions does not count toward it. Last evaluated 2022-03-02.

Conditions:
MYO1E-related disorder. Also called: MYO1E-related condition.
Focal segmental glomerulosclerosis 6 (FSGS6). Identifiers: Orphanet 656, MedGen C3279905, MONDO:0013589, OMIM 614131.

Allele frequency attached by ClinVar (database versions not stated): gnomAD 0.00003 and 0.00005; TOPMed 0.00004; ExAC 0.00007; ESP Exome Variant Server 0.00008; gnomAD exomes 0.00010.
gnomAD v4.1: 89 of 1,614,112 alleles (0.0055%); highest among the groups gnomAD compares: South Asian, 0.042%; no homozygotes.

Submissions (3):

Fulgent Genetics
Classification: Likely benign for Focal segmental glomerulosclerosis 6. Last evaluated: 2022-03-02. Review status: criteria provided, single submitter. Criteria: ACMG Guidelines, 2015. Collection method: clinical testing. Allele origin: unknown.

Labcorp Genetics (formerly Invitae), Labcorp
Classification: Likely benign. Last evaluated: 2021-03-26. Review status: criteria provided, single submitter. Criteria: Invitae Variant Classification Sherloc (09022015). Collection method: clinical testing. Allele origin: germline.

PreventionGenetics, part of Exact Sciences
Classification: Likely benign for MYO1E-related condition. Last evaluated: 2022-12-18. Review status: no assertion criteria provided. Collection method: clinical testing. Allele origin: germline. Not counted in ClinVar's aggregate classification.
Comment: This variant is classified as likely benign based on ACMG/AMP sequence variant interpretation guidelines (Richards et al. 2015 PMID: 25741868, with internal and published modifications).

NM_004998.4(MYO1E):c.1770C>T (p.Asn590=)

Gene: MYO1E (myosin IE; minus strand). Cytogenetic location: 15q22.2.
Variant type: single nucleotide variant.
Coding change: c.1770C>T on transcript NM_004998.4 (MANE Select); coding-DNA position 1770, C replaced by T.
Protein change: p.Asn590=; no amino-acid change (asparagine 590 retained).
Molecular consequence: synonymous variant.
Genome position (GRCh38, 1-based): chr15:59,195,496, G>A on the plus strand (C>T on the coding strand, the complement: MYO1E is on the minus strand). VCF-style: chr15-59195496-G-A. GRCh37 (hg19) VCF-style: chr15-59487695-G-A.
Other names: c.1770C>T (NM_004998.3).
Identifiers: ClinVar variation 1630946 (VCV001630946.11), dbSNP rs149553440, ClinGen allele CA7589503.